The following is an entry in ClinVar:

NM_001370259.2(MEN1):c.1570_1573delinsT (p.Gly524_Thr525delinsSer)

Gene: MEN1 (menin 1; minus strand). Cytogenetic location: 11q13.1.
Variant type: Indel.
Coding change: c.1570_1573delinsT on transcript NM_001370259.2 (MANE Select); coding-DNA positions 1570 to 1573, GGCA replaced by T.
Protein change: p.Gly524_Thr525delinsSer.
Molecular consequence: inframe indel. On other transcripts: non-coding transcript variant (4).
Genome position (GRCh38, 1-based): chr11:64,804,594-64,804,597, TGCC replaced by A on the plus strand (GGCA replaced by T on the coding strand, the reverse complement: MEN1 is on the minus strand). VCF-style: chr11-64804594-TGCC-A. GRCh37 (hg19) VCF-style: chr11-64572066-TGCC-A.
Other names: c.1585_1588delinsT, p.Gly529_Thr530delinsSer (NM_000244.4, NM_001407145.1, NM_130800.3 and 4 more transcripts); c.1696_1699delinsT, p.Gly566_Thr567delinsSer (NM_001370251.2, NM_001407142.1, NM_001407143.1 and 1 more transcripts); c.1570_1573delinsT, p.Gly524_Thr525delinsSer (NM_001370260.2, NM_001370261.2, NM_001407146.1 and 2 more transcripts); c.1465_1468delinsT, p.Gly489_Thr490delinsSer (NM_001370262.2, NM_001370263.2, NM_001407148.1 and 1 more transcripts); c.1711_1714delinsT, p.Gly571_Thr572delinsSer (NM_001407150.1); c.1591_1594delinsT, p.Gly531_Thr532delinsSer (NM_001407151.1); c.1405_1408delinsT, p.Gly469_Thr470delinsSer (NM_001407152.1).
Identifiers: ClinVar variation 3394956 (VCV003394956.1).

ClinVar aggregate classification (germline): Uncertain significance (1 of 4 stars; one submission).

Conditions:
Hereditary cancer-predisposing syndrome. Also called: Hereditary Cancer Syndrome; Tumor predisposition; Hereditary neoplastic syndrome; Neoplastic Syndromes, Hereditary. Identifiers: Orphanet 140162, MedGen C0027672, MeSH D009386, MONDO:0015356.

Submission:

Ambry Genetics
Classification: Uncertain significance for Hereditary cancer-predisposing syndrome. Last evaluated: 2024-08-06. Review status: criteria provided, single submitter. Criteria: Ambry Variant Classification Scheme 2023. Collection method: clinical testing. Allele origin: germline.
Comment: The c.1570_1573delGGCAinsT variant (also known as p.G524_T525delinsS), located in coding exon 9 of the MEN1 gene, results from an in-frame deletion of GGCA and insertion of T at nucleotide positions 1570 to 1573. This results in the deletion of glycine and threonine residues and the insertion of a serine residue at codons 524 to 525. These amino acid positions are not well conserved in available vertebrate species. In addition, this alteration is predicted to be neutral by in silico analysis (Choi Y et al. PLoS ONE. 2012; 7(10):e46688). Based on the available evidence, the clinical significance of this variant remains unclear.